The following is an entry in ClinVar:

ClinVar aggregate classification (germline): Likely benign. Review status: criteria provided, multiple submitters, no conflicts (2 of 4 stars). 3 submissions from 3 submitters: Likely benign (3). Last evaluated 2024-07-05.

Allele frequency attached by ClinVar (database versions not stated): TOPMed below 0.00001; gnomAD 0.00002; ExAC 0.00003.
gnomAD v4.1: 18 of 1,539,762 alleles (0.0012%); highest among the groups gnomAD compares: Non-Finnish European, 0.0015%; no homozygotes.

Submissions (3):

Women's Health and Genetics/Laboratory Corporation of America, LabCorp
Classification: Likely benign. Last evaluated: 2024-07-05. Review status: criteria provided, single submitter. Criteria: LabCorp Variant Classification Summary - May 2015. Collection method: clinical testing. Allele origin: germline.
Comment: Variant summary: HPS6 c.177G>A alters a non-conserved nucleotide resulting in a synonymous change. Consensus agreement among computation tools predict no significant impact on normal splicing. However, these predictions have yet to be confirmed by functional studies. The frequency data for this variant in gnomAD is considered unreliable, as metrics indicate poor data quality at this position. To our knowledge, no occurrence of c.177G>A in individuals affected with Hermansky-Pudlak Syndrome and no experimental evidence demonstrating its impact on protein function have been reported. ClinVar contains an entry for this variant (Variation ID: 2897361). Based on the evidence outlined above, the variant was classified as likely benign.

Labcorp Genetics (formerly Invitae), Labcorp
Classification: Likely benign. Last evaluated: 2024-07-01. Review status: criteria provided, single submitter. Criteria: Invitae Variant Classification Sherloc (09022015). Collection method: clinical testing. Allele origin: germline.

Blueprint Genetics
Classification: Likely benign. Last evaluated: 2024-01-31. Review status: criteria provided, single submitter. Criteria: ACMG Guidelines, 2015. Collection method: clinical testing. Allele origin: germline.

NM_024747.6(HPS6):c.177G>A (p.Ala59=)

Genes: HPS6 (HPS6 biogenesis of lysosomal organelles complex 2 subunit 3; plus strand), LOC130004578 (ATAC-STARR-seq lymphoblastoid silent region 2738; plus strand). Cytogenetic location: 10q24.32.
Variant type: single nucleotide variant.
Coding change: c.177G>A on transcript NM_024747.6 (MANE Select); coding-DNA position 177, G replaced by A.
Protein change: p.Ala59=; no amino-acid change (alanine 59 retained).
Molecular consequence: synonymous variant.
Genome position (GRCh38, 1-based): chr10:102,065,651, G>A. VCF-style: chr10-102065651-G-A. GRCh37 (hg19) VCF-style: chr10-103825408-G-A.
Identifiers: ClinVar variation 2897361 (VCV002897361.5), dbSNP rs761240967, ClinGen allele CA5659758.